The following is an entry in ClinVar:

ClinVar aggregate classification (germline): Uncertain significance (1 of 4 stars; one submission).

Conditions:
Gastrointestinal stromal tumor. Also called: Gastrointestinal stromal tumor, somatic; Gastrointestinal stroma tumor. Identifiers: Orphanet 44890, MedGen C0238198, MeSH D046152, MONDO:0011719, OMIM 606764, HP:0100723.

Submission:

Labcorp Genetics (formerly Invitae), Labcorp
Classification: Uncertain significance for Gastrointestinal stromal tumor. Last evaluated: 2023-04-28. Review status: criteria provided, single submitter. Criteria: Invitae Variant Classification Sherloc (09022015). Collection method: clinical testing. Allele origin: germline.
Comment: In summary, the available evidence is currently insufficient to determine the role of this variant in disease. Therefore, it has been classified as a Variant of Uncertain Significance. Algorithms developed to predict the effect of missense changes on protein structure and function output the following: SIFT: "Not Available"; PolyPhen-2: "Benign"; Align-GVGD: "Not Available". The aspartic acid amino acid residue is found in multiple mammalian species, which suggests that this missense change does not adversely affect protein function. This variant has not been reported in the literature in individuals affected with KIT-related conditions. This variant is not present in population databases (gnomAD no frequency). This sequence change replaces glutamic acid, which is acidic and polar, with aspartic acid, which is acidic and polar, at codon 366 of the KIT protein (p.Glu366Asp).

NM_000222.3(KIT):c.1098G>C (p.Glu366Asp)

Gene: KIT (KIT proto-oncogene, receptor tyrosine kinase; plus strand). Cytogenetic location: 4q12.
Variant type: single nucleotide variant.
Coding change: c.1098G>C on transcript NM_000222.3 (MANE Select); coding-DNA position 1098, G replaced by C.
Protein change: p.Glu366Asp; replaces glutamic acid 366 with aspartic acid.
Molecular consequence: missense variant.
Genome position (GRCh38, 1-based): chr4:54,707,270, G>C. VCF-style: chr4-54707270-G-C. GRCh37 (hg19) VCF-style: chr4-55573436-G-C.
Other names: c.1098G>C, p.Glu366Asp (NM_001093772.2, NM_001385285.1, NM_001385286.1); c.1101G>C, p.Glu367Asp (NM_001385284.1, NM_001385288.1, NM_001385290.1 and 1 more transcripts); short protein forms E367D, E366D.
Identifiers: ClinVar variation 2860126 (VCV002860126.3), dbSNP rs1060504663, ClinGen allele CA356901164.